The following is an entry in ClinVar:

ClinVar aggregate classification (germline): Uncertain significance (1 of 4 stars; one submission).

Conditions:
Inborn genetic diseases. Identifiers: MedGen C0950123, MeSH D030342.

Submission:

Ambry Genetics
Classification: Uncertain significance for Inborn genetic diseases. Last evaluated: 2021-12-06. Review status: criteria provided, single submitter. Criteria: Ambry Variant Classification Scheme 2023. Collection method: clinical testing. Allele origin: germline.
Comment: The p.E1760A variant (also known as c.5279A>C), located in coding exon 36 of the LRRK2 gene, results from an A to C substitution at nucleotide position 5279. The glutamic acid at codon 1760 is replaced by alanine, an amino acid with dissimilar properties. This amino acid position is conserved. In addition, this alteration is predicted to be tolerated by in silico analysis. Since supporting evidence is limited at this time, the clinical significance of this alteration remains unclear.

NM_198578.4(LRRK2):c.5279A>C (p.Glu1760Ala)

Gene: LRRK2 (leucine rich repeat kinase 2; plus strand). Cytogenetic location: 12q12.
Variant type: single nucleotide variant.
Coding change: c.5279A>C on transcript NM_198578.4 (MANE Select); coding-DNA position 5279, A replaced by C.
Protein change: p.Glu1760Ala; replaces glutamic acid 1760 with alanine.
Molecular consequence: missense variant.
Genome position (GRCh38, 1-based): chr12:40,322,143, A>C. VCF-style: chr12-40322143-A-C. GRCh37 (hg19) VCF-style: chr12-40715945-A-C.
Other names: short protein forms E1760A.
Identifiers: ClinVar variation 1746540 (VCV001746540.2), dbSNP rs2499883848, ClinGen allele CA384420391.
Genomic context (GRCh38, chr12:40,322,143, plus strand): 5'-TAAATTGGTCTCCTGAAGCTTATTGTCTGGTAGGATCTGAAGTCTTAGACAATCATCCAG[A>C]GAGTTTCTTAAAAATTACAGTTCCTTCTTGTAGAAAAGGTAAGGAAATCAATTTGAATGT-3'
Protein context (NP_940980.4, residues 1750-1770): VGSEVLDNHP[Glu1760Ala]SFLKITVPSC